The following is an entry in ClinVar:

NM_178822.5(IGSF10):c.3354T>G (p.Ser1118Arg)

Gene: IGSF10 (immunoglobulin superfamily member 10; minus strand). Cytogenetic location: 3q25.1.
Variant type: single nucleotide variant.
Coding change: c.3354T>G on transcript NM_178822.5 (MANE Select); coding-DNA position 3354, T replaced by G.
Protein change: p.Ser1118Arg; replaces serine 1118 with arginine.
Molecular consequence: missense variant.
Genome position (GRCh38, 1-based): chr3:151,446,627, A>C on the plus strand (T>G on the coding strand, the complement: IGSF10 is on the minus strand). VCF-style: chr3-151446627-A-C. GRCh37 (hg19) VCF-style: chr3-151164415-A-C.
Other names: c.3354T>G, p.Ser1118Arg (NM_001385060.1, NM_001385061.1, NM_001385062.1 and 1 more transcripts); short protein forms S1118R.
Identifiers: ClinVar variation 3646231 (VCV003646231.2).

ClinVar aggregate classification (germline): Uncertain significance (1 of 4 stars; one submission).

Submission:

Labcorp Genetics (formerly Invitae), Labcorp
Classification: Uncertain significance. Last evaluated: 2024-03-16. Review status: criteria provided, single submitter. Criteria: Invitae Variant Classification Sherloc (09022015). Collection method: clinical testing. Allele origin: germline.
Comment: This sequence change replaces serine, which is neutral and polar, with arginine, which is basic and polar, at codon 1118 of the IGSF10 protein (p.Ser1118Arg). This variant is not present in population databases (gnomAD no frequency). This variant has not been reported in the literature in individuals affected with IGSF10-related conditions. An algorithm developed to predict the effect of missense changes on protein structure and function (PolyPhen-2) suggests that this variant is likely to be tolerated. In summary, the available evidence is currently insufficient to determine the role of this variant in disease. Therefore, it has been classified as a Variant of Uncertain Significance.